The following is an entry in ClinVar:

ClinVar aggregate classification (germline): Uncertain significance. Review status: criteria provided, multiple submitters, no conflicts (2 of 4 stars). 2 submissions from 2 submitters: Uncertain significance (2). Last evaluated 2025-09-28.

Submissions (2):

Ambry Genetics
Classification: Uncertain significance. Last evaluated: 2025-09-28. Review status: criteria provided, single submitter. Criteria: Ambry Variant Classification Scheme 2023. Collection method: clinical testing. Allele origin: germline.

Labcorp Genetics (formerly Invitae), Labcorp
Classification: Uncertain significance. Last evaluated: 2024-04-24. Review status: criteria provided, single submitter. Criteria: Invitae Variant Classification Sherloc (09022015). Collection method: clinical testing. Allele origin: germline.
Comment: This sequence change replaces threonine, which is neutral and polar, with methionine, which is neutral and non-polar, at codon 558 of the TRIM28 protein (p.Thr558Met). This variant is not present in population databases (gnomAD no frequency). This variant has not been reported in the literature in individuals affected with TRIM28-related conditions. Experimental studies and prediction algorithms are not available or were not evaluated, and the functional significance of this variant is currently unknown. In summary, the available evidence is currently insufficient to determine the role of this variant in disease. Therefore, it has been classified as a Variant of Uncertain Significance.

NM_005762.3(TRIM28):c.1673C>T (p.Thr558Met)

Gene: TRIM28 (tripartite motif containing 28; plus strand). Cytogenetic location: 19q13.43.
Variant type: single nucleotide variant.
Coding change: c.1673C>T on transcript NM_005762.3 (MANE Select); coding-DNA position 1673, C replaced by T.
Protein change: p.Thr558Met; replaces threonine 558 with methionine.
Molecular consequence: missense variant.
Genome position (GRCh38, 1-based): chr19:58,549,341, C>T. VCF-style: chr19-58549341-C-T. GRCh37 (hg19) VCF-style: chr19-59060708-C-T.
Other names: c.1673C>T (NM_005762.2); short protein forms T558M.
Identifiers: ClinVar variation 3671174 (VCV003671174.3).